The following is an entry in ClinVar:

ClinVar aggregate classification (germline): Uncertain significance (1 of 4 stars; one submission).

gnomAD v4.1: 1 of 1,614,124 alleles (0.000062%); highest among the groups gnomAD compares: South Asian, 0.0011%; no homozygotes.

Submission:

CeGaT Center for Human Genetics Tuebingen
Classification: Uncertain significance. Last evaluated: 2026-06-01. Review status: criteria provided, single submitter. Criteria: CeGaT Center For Human Genetics Tuebingen Variant Classification Criteria Version 2. Collection method: clinical testing. Allele origin: germline. Affected: yes. Observed: 1 variant allele.
Comment: SERPING1: PM5

NM_000062.3(SERPING1):c.1166C>T (p.Ser389Phe)

Gene: SERPING1 (serpin family G member 1; plus strand). Cytogenetic location: 11q12.1.
Variant type: single nucleotide variant.
Coding change: c.1166C>T on transcript NM_000062.3 (MANE Select); coding-DNA position 1166, C replaced by T.
Protein change: p.Ser389Phe; replaces serine 389 with phenylalanine.
Molecular consequence: missense variant.
Genome position (GRCh38, 1-based): chr11:57,611,853, C>T. VCF-style: chr11-57611853-C-T. GRCh37 (hg19) VCF-style: chr11-57379326-C-T.
Other names: c.1166C>T, p.Ser389Phe (NM_001032295.2); short protein forms S389F.
Identifiers: ClinVar variation 4875430 (VCV004875430.2).